The following is an entry in ClinVar:

NM_004963.4(GUCY2C):c.1252T>G (p.Ser418Ala)

Genes: GUCY2C (guanylate cyclase 2C; minus strand), GUCY2C-AS1 (GUCY2C antisense RNA 1; plus strand). Cytogenetic location: 12p12.3.
Variant type: single nucleotide variant.
Coding change: c.1252T>G on transcript NM_004963.4 (MANE Select); coding-DNA position 1252, T replaced by G.
Protein change: p.Ser418Ala; replaces serine 418 with alanine.
Molecular consequence: missense variant.
Genome position (GRCh38, 1-based): chr12:14,669,752, A>C on the plus strand (T>G on the coding strand, the complement: GUCY2C is on the minus strand). VCF-style: chr12-14669752-A-C. GRCh37 (hg19) VCF-style: chr12-14822686-A-C.
Other names: c.1252T>G (NM_004963.3); short protein forms S418A.
Identifiers: ClinVar variation 3638979 (VCV003638979.3).

ClinVar aggregate classification (germline): Uncertain significance. Review status: criteria provided, multiple submitters, no conflicts (2 of 4 stars). 2 submissions from 2 submitters: Uncertain significance (2). Last evaluated 2025-11-13.

Conditions:
Inborn genetic diseases. Identifiers: MedGen C0950123, MeSH D030342.

gnomAD v4.1: 4 of 1,594,948 alleles (0.00025%); highest among the groups gnomAD compares: Admixed American, 0.0034%; no homozygotes.

Submissions (2):

Ambry Genetics
Classification: Uncertain significance for Inborn genetic diseases. Last evaluated: 2025-11-13. Review status: criteria provided, single submitter. Criteria: Ambry Variant Classification Scheme 2023. Collection method: clinical testing. Allele origin: germline.

Labcorp Genetics (formerly Invitae), Labcorp
Classification: Uncertain significance. Last evaluated: 2024-05-31. Review status: criteria provided, single submitter. Criteria: Invitae Variant Classification Sherloc (09022015). Collection method: clinical testing. Allele origin: germline.
Comment: This sequence change replaces serine, which is neutral and polar, with alanine, which is neutral and non-polar, at codon 418 of the GUCY2C protein (p.Ser418Ala). This variant is not present in population databases (gnomAD no frequency). This variant has not been reported in the literature in individuals affected with GUCY2C-related conditions. Advanced modeling of protein sequence and biophysical properties (such as structural, functional, and spatial information, amino acid conservation, physicochemical variation, residue mobility, and thermodynamic stability) performed at Invitae indicates that this missense variant is not expected to disrupt GUCY2C protein function with a negative predictive value of 80%. In summary, the available evidence is currently insufficient to determine the role of this variant in disease. Therefore, it has been classified as a Variant of Uncertain Significance.